The following is an entry in ClinVar:

ClinVar aggregate classification (germline): Uncertain significance (1 of 4 stars; one submission).

Conditions:
Gorlin syndrome. Also called: Nevoid Basal Cell Carcinoma Syndrome; Basal cell nevus syndrome. Identifiers: Orphanet 377, MedGen C0004779, MONDO:0007187.

Submission:

Labcorp Genetics (formerly Invitae), Labcorp
Classification: Uncertain significance for Gorlin syndrome. Last evaluated: 2025-12-15. Review status: criteria provided, single submitter. Criteria: Invitae Variant Classification Sherloc (09022015). Collection method: clinical testing. Allele origin: germline.
Comment: This sequence change replaces valine, which is neutral and non-polar, with alanine, which is neutral and non-polar, at codon 190 of the PTCH1 protein (p.Val190Ala). This variant is not present in population databases (gnomAD no frequency). This variant has not been reported in the literature in individuals affected with PTCH1-related conditions. Invitae Evidence Modeling of protein sequence and biophysical properties (such as structural, functional, and spatial information, amino acid conservation, physicochemical variation, residue mobility, and thermodynamic stability) has been performed for this missense variant. However, the output from this modeling did not meet the statistical confidence thresholds required to predict the impact of this variant on PTCH1 protein function. In summary, the available evidence is currently insufficient to determine the role of this variant in disease. Therefore, it has been classified as a Variant of Uncertain Significance.

NM_000264.5(PTCH1):c.569T>C (p.Val190Ala)

Gene: PTCH1 (patched 1; minus strand). Cytogenetic location: 9q22.32.
Variant type: single nucleotide variant.
Coding change: c.569T>C on transcript NM_000264.5 (MANE Select); coding-DNA position 569, T replaced by C.
Protein change: p.Val190Ala; replaces valine 190 with alanine.
Molecular consequence: missense variant. On other transcripts: non-coding transcript variant (1).
Genome position (GRCh38, 1-based): chr9:95,485,700, A>G on the plus strand (T>C on the coding strand, the complement: PTCH1 is on the minus strand). VCF-style: chr9-95485700-A-G. GRCh37 (hg19) VCF-style: chr9-98247982-A-G.
Other names: c.371T>C, p.Val124Ala (NM_001083602.3, NM_001354919.2); c.566T>C, p.Val189Ala (NM_001083603.3); c.116T>C, p.Val39Ala (NM_001083604.3, NM_001083605.3, NM_001083606.3 and 1 more transcripts); c.569T>C, p.Val190Ala (NM_001354918.2); short protein forms V124A, V189A, V190A, V39A.
Identifiers: ClinVar variation 4801808 (VCV004801808.1).